The following is an entry in ClinVar:

NC_000011.9:g.(?_19207743)_(19213995_?)del

Gene: CSRP3 (cysteine and glycine rich protein 3; minus strand). Cytogenetic location: 11p15.1.
Variant type: Deletion.
Identifiers: ClinVar variation 1410819 (VCV001410819.4).

ClinVar aggregate classification (germline): Uncertain significance (1 of 4 stars; one submission).

Conditions:
Hypertrophic cardiomyopathy 12. Identifiers: MedGen C2677491, MONDO:0012804, OMIM 612124.
Dilated cardiomyopathy 1M (CMD1M). Identifiers: Orphanet 154, MedGen C1843808, MONDO:0011840, OMIM 607482.

Submission:

Labcorp Genetics (formerly Invitae), Labcorp
Classification: Uncertain significance for Hypertrophic cardiomyopathy 12; Dilated cardiomyopathy 1M. Last evaluated: 2022-11-22. Review status: criteria provided, single submitter. Criteria: Invitae Variant Classification Sherloc (09022015). Collection method: clinical testing. Allele origin: germline.
Comment: In summary, the available evidence is currently insufficient to determine the role of this variant in disease. Therefore, it has been classified as a Variant of Uncertain Significance. This variant has not been reported in the literature in individuals affected with CSRP3-related conditions. This variant is a gross deletion of the genomic region encompassing exon(s) 3-5 of the CSRP3 gene, which includes the initiator codon. This deletion extends beyond the assayed region for this gene and therefore may encompass additional genes. It is expected to result in an absent or disrupted protein product. However, the current clinical and genetic evidence is not sufficient to establish whether loss-of-function variants in CSRP3 cause disease.